The following is an entry in ClinVar:

ClinVar aggregate classification (germline): Uncertain significance (1 of 4 stars; one submission).

Conditions:
Ataxia-telangiectasia syndrome (AT). Also called: LOUIS-BAR SYNDROME; Cerebello-oculocutaneous telangiectasia; Immunodeficiency with ataxia telangiectasia; Ataxia-telangiectasia, complementation group D; AT, COMPLEMENTATION GROUP C; ATAXIA-TELANGIECTASIA, COMPLEMENTATION GROUP A. Identifiers: Orphanet 100, MedGen C0004135, MONDO:0008840, OMIM 208900.

Submission:

Labcorp Genetics (formerly Invitae), Labcorp
Classification: Uncertain significance for Ataxia-telangiectasia syndrome. Last evaluated: 2025-05-13. Review status: criteria provided, single submitter. Criteria: Invitae Variant Classification Sherloc (09022015). Collection method: clinical testing. Allele origin: germline.
Comment: This sequence change replaces serine, which is neutral and polar, with proline, which is neutral and non-polar, at codon 2394 of the ATM protein (p.Ser2394Pro). This variant is not present in population databases (gnomAD no frequency). This variant has not been reported in the literature in individuals affected with ATM-related conditions. Invitae Evidence Modeling of protein sequence and biophysical properties (such as structural, functional, and spatial information, amino acid conservation, physicochemical variation, residue mobility, and thermodynamic stability) has been performed for this missense variant. However, the output from this modeling did not meet the statistical confidence thresholds required to predict the impact of this variant on ATM protein function. This variant disrupts the p.Ser2394 amino acid residue in ATM. Other variant(s) that disrupt this residue have been determined to be pathogenic (PMID: 18573109, 19431188, 26677768). This suggests that this residue is clinically significant, and that variants that disrupt this residue are likely to be disease-causing. In summary, the available evidence is currently insufficient to determine the role of this variant in disease. Therefore, it has been classified as a Variant of Uncertain Significance.

Literature cited by the submitters: PubMed 18573109; PubMed 19431188; PubMed 26677768.

NM_000051.4(ATM):c.7180T>C (p.Ser2394Pro)

Genes: ATM (ATM serine/threonine kinase; plus strand), C11orf65 (chromosome 11 open reading frame 65; minus strand). Cytogenetic location: 11q22.3.
Variant type: single nucleotide variant.
Coding change: c.7180T>C on transcript NM_000051.4 (MANE Select); coding-DNA position 7180, T replaced by C.
Protein change: p.Ser2394Pro; replaces serine 2394 with proline.
Molecular consequence: missense variant. On other transcripts: intron variant (2).
Genome position (GRCh38, 1-based): chr11:108,329,111, T>C. VCF-style: chr11-108329111-T-C. GRCh37 (hg19) VCF-style: chr11-108199838-T-C.
Other names: c.7180T>C, p.Ser2394Pro (NM_001351834.2); c.641-20040A>G (NM_001330368.2); c.*38+6109A>G (NM_001351110.2); short protein forms S2394P.
Identifiers: ClinVar variation 4747254 (VCV004747254.1).